The following is an entry in ClinVar:

NM_014844.5(TECPR2):c.4066G>A (p.Val1356Met)

Gene: TECPR2 (tectonin beta-propeller repeat containing 2; plus strand). Cytogenetic location: 14q32.31.
Variant type: single nucleotide variant.
Coding change: c.4066G>A on transcript NM_014844.5 (MANE Select); coding-DNA position 4066, G replaced by A.
Protein change: p.Val1356Met; replaces valine 1356 with methionine.
Molecular consequence: missense variant.
Genome position (GRCh38, 1-based): chr14:102,497,704, G>A. VCF-style: chr14-102497704-G-A. GRCh37 (hg19) VCF-style: chr14-102964041-G-A.
Other names: short protein forms V1356M.
Identifiers: ClinVar variation 1344159 (VCV001344159.4), dbSNP rs753581977, ClinGen allele CA7358451.

ClinVar aggregate classification (germline): Uncertain significance. Review status: criteria provided, multiple submitters, no conflicts (2 of 4 stars). 2 submissions from 2 submitters: Uncertain significance (2). Last evaluated 2026-01-06.

Conditions:
Hereditary spastic paraplegia. Also called: Familial spastic paraparesis. Identifiers: Orphanet 685, MedGen C0037773, MONDO:0019064. Disease mechanism: loss of function.

Allele frequency attached by ClinVar (database versions not stated): ExAC 0.00002; gnomAD 0.00007.
gnomAD v4.1: 25 of 1,606,336 alleles (0.0016%); highest among the groups gnomAD compares: African/African-American, 0.019%; no homozygotes.

Submissions (2):

Women's Health and Genetics/Laboratory Corporation of America, LabCorp
Classification: Uncertain significance. Last evaluated: 2026-01-06. Review status: criteria provided, single submitter. Criteria: LabCorp Variant Classification Summary - May 2015. Collection method: clinical testing. Allele origin: germline.
Comment: Variant summary: TECPR2 c.4066G>A (p.Val1356Met) results in a conservative amino acid change in the encoded protein sequence. Algorithms developed to predict the effect of missense changes on protein structure and function all suggest that this variant is likely to be tolerated. The variant allele was found at a frequency of 2.1e-05 in 236748 control chromosomes (gnomAD). The available data on variant occurrences in the general population are insufficient to allow any conclusion about variant significance. To our knowledge, no occurrence of c.4066G>A in individuals affected with TECPR2-related conditions and no experimental evidence demonstrating its impact on protein function have been reported. ClinVar contains an entry for this variant (Variation ID: 1344159). Based on the evidence outlined above, the variant was classified as uncertain significance.

Genome Diagnostics Laboratory, The Hospital for Sick Children
Classification: Uncertain significance for Hereditary spastic paraplegia. Last evaluated: 2016-12-12. Review status: criteria provided, single submitter. Criteria: ACMG Guidelines, 2015. Collection method: clinical testing. Allele origin: germline. Affected: yes.